The following is an entry in ClinVar:

NM_018706.7(DHTKD1):c.1078G>A (p.Val360Met)

Gene: DHTKD1 (dehydrogenase E1 and transketolase domain containing 1; plus strand). Cytogenetic location: 10p14.
Variant type: single nucleotide variant.
Coding change: c.1078G>A on transcript NM_018706.7 (MANE Select); coding-DNA position 1078, G replaced by A.
Protein change: p.Val360Met; replaces valine 360 with methionine.
Molecular consequence: missense variant.
Genome position (GRCh38, 1-based): chr10:12,091,603, G>A. VCF-style: chr10-12091603-G-A. GRCh37 (hg19) VCF-style: chr10-12133602-G-A.
Other names: short protein forms V360M.
Identifiers: ClinVar variation 715372 (VCV000715372.12), dbSNP rs755976465, ClinGen allele CA5407739.

ClinVar aggregate classification (germline): Conflicting classifications of pathogenicity. Review status: criteria provided, conflicting classifications (1 of 4 stars). 2 submissions from 2 submitters: Uncertain significance (1); Likely benign (1). Last evaluated 2026-01-15.

Conditions:
2-aminoadipic 2-oxoadipic aciduria (AAKAD). Also called: ALPHA-AMINOADIPIC AND ALPHA-KETOADIPIC ACIDURIA; Aminoadipic aciduria. Identifiers: Orphanet 79154, MedGen C1859817, MONDO:0008774, OMIM 204750.

Allele frequency attached by ClinVar (database versions not stated): gnomAD 0.00005 and 0.00006; gnomAD exomes 0.00009 and 0.00044; TOPMed 0.00026; ExAC 0.00032.

Submissions (2):

Labcorp Genetics (formerly Invitae), Labcorp
Classification: Likely benign for 2-aminoadipic 2-oxoadipic aciduria. Last evaluated: 2026-01-15. Review status: criteria provided, single submitter. Criteria: Invitae Variant Classification Sherloc (09022015). Collection method: clinical testing. Allele origin: germline.

GeneDx
Classification: Uncertain significance. Last evaluated: 2025-07-02. Review status: criteria provided, single submitter. Criteria: GeneDx Variant Classification Process June 2021. Collection method: clinical testing. Allele origin: germline. Affected: yes.
Comment: In silico analysis suggests that this missense variant does not alter protein structure/function; Has not been previously published as pathogenic or benign to our knowledge